The following is an entry in ClinVar:

ClinVar aggregate classification (germline): other (0 of 4 stars; one submission).

Conditions:
Familial colorectal cancer. Identifiers: MedGen CN280943, MONDO:0023113. Disease mechanism: loss of function.

Submission:

Systems Biology Platform Zhejiang California International NanoSystems Institute
Classification: other for Familial colorectal cancer. Review status: no assertion criteria provided. Collection method: not provided. Allele origin: unknown.
ClinVar note: Converted during submission from cancer to other.

NM_001127511.3(APC):c.165+22819T>C

Gene: APC (APC regulator of Wnt signaling pathway; plus strand). Cytogenetic location: 5q22.2.
Variant type: single nucleotide variant.
Coding change: c.165+22819T>C on transcript NM_001127511.3; 22819 bases into the intron after coding-DNA position 165, T replaced by C.
Molecular consequence: intron variant.
Genome position (GRCh38, 1-based): chr5:112,730,701, T>C. VCF-style: chr5-112730701-T-C. GRCh37 (hg19) VCF-style: chr5-112066398-T-C.
Other names: c.-1054+22819T>C (NM_001407470.1, NM_001407472.1); c.-19+22819T>C (NM_001407447.1, NM_001354895.2, NM_001407456.1 and 3 more transcripts); c.165+22819T>C (NM_001407446.1, NM_001354897.2, NM_001354902.2); c.-19+23052T>C (NM_001407448.1, NM_001407450.1, NM_001407457.1 and 1 more transcripts); c.-43+23052T>C (NM_001407453.1).
Identifiers: ClinVar variation 82306 (VCV000082306.4), dbSNP rs76759055, ClinGen allele CA023551.
Genomic context (GRCh38, chr5:112,730,701, plus strand): 5'-AGGCCCTTGCAGGAGCAGCCCTAGCAATCTTGAATTAATTTGTGTTTTTCTTAAGGACCC[T>C]CCCACCCAGCTGCCCCTTTATTATAGGCTGCTGGTCACCACAAAATCTGAATCTGCCTTT-3'